The following is an entry in ClinVar:

NM_012470.4(TNPO3):c.2069A>G (p.Asn690Ser)

Gene: TNPO3 (transportin 3; minus strand). Cytogenetic location: 7q32.1.
Variant type: single nucleotide variant.
Coding change: c.2069A>G on transcript NM_012470.4 (MANE Select); coding-DNA position 2069, A replaced by G.
Protein change: p.Asn690Ser; replaces asparagine 690 with serine.
Molecular consequence: missense variant. On other transcripts: non-coding transcript variant (18).
Genome position (GRCh38, 1-based): chr7:128,975,928, T>C on the plus strand (A>G on the coding strand, the complement: TNPO3 is on the minus strand). VCF-style: chr7-128975928-T-C. GRCh37 (hg19) VCF-style: chr7-128615982-T-C.
Other names: c.1877A>G, p.Asn626Ser (NM_001191028.3, NM_001382223.1); c.2171A>G, p.Asn724Ser (NM_001382216.1); c.2150A>G, p.Asn717Ser (NM_001382217.1); c.2069A>G, p.Asn690Ser (NM_001382218.1); c.1961A>G, p.Asn654Ser (NM_001382219.1); c.1928A>G, p.Asn643Ser (NM_001382220.1); c.1925A>G, p.Asn642Ser (NM_001382221.1); c.1922A>G, p.Asn641Ser (NM_001382222.1); short protein forms N641S, N643S, N717S, N654S, N724S, N690S, N626S, N642S.
Identifiers: ClinVar variation 3671587 (VCV003671587.2).

ClinVar aggregate classification (germline): Uncertain significance (1 of 4 stars; one submission).

Conditions:
Autosomal dominant limb-girdle muscular dystrophy type 1F (LGMDD2). Also called: MUSCULAR DYSTROPHY, LIMB-GIRDLE, AUTOSOMAL DOMINANT 2; Limb-girdle muscular dystrophy, type 1F. Identifiers: Orphanet 55595, MedGen C1842062, MONDO:0012034, OMIM 608423.

gnomAD v4.1: 16 of 1,610,250 alleles (0.00099%); highest among the groups gnomAD compares: Non-Finnish European, 0.0013%; no homozygotes.

Submission:

Labcorp Genetics (formerly Invitae), Labcorp
Classification: Uncertain significance for Autosomal dominant limb-girdle muscular dystrophy type 1F. Last evaluated: 2024-10-22. Review status: criteria provided, single submitter. Criteria: Invitae Variant Classification Sherloc (09022015). Collection method: clinical testing. Allele origin: germline.
Comment: This sequence change replaces asparagine, which is neutral and polar, with serine, which is neutral and polar, at codon 690 of the TNPO3 protein (p.Asn690Ser). This variant is present in population databases (rs761914405, gnomAD 0.003%). This variant has not been reported in the literature in individuals affected with TNPO3-related conditions. Invitae Evidence Modeling of protein sequence and biophysical properties (such as structural, functional, and spatial information, amino acid conservation, physicochemical variation, residue mobility, and thermodynamic stability) indicates that this missense variant is not expected to disrupt TNPO3 protein function with a negative predictive value of 80%. In summary, the available evidence is currently insufficient to determine the role of this variant in disease. Therefore, it has been classified as a Variant of Uncertain Significance.